The following is an entry in ClinVar:

NM_001365276.2(TNXB):c.4198G>A (p.Asp1400Asn)

Gene: TNXB (tenascin XB; minus strand). Cytogenetic location: 6p21.33.
Variant type: single nucleotide variant.
Coding change: c.4198G>A on transcript NM_001365276.2 (MANE Select); coding-DNA position 4198, G replaced by A.
Protein change: p.Asp1400Asn; replaces aspartic acid 1400 with asparagine.
Molecular consequence: missense variant.
Genome position (GRCh38, 1-based): chr6:32,079,210, C>T on the plus strand (G>A on the coding strand, the complement: TNXB is on the minus strand). VCF-style: chr6-32079210-C-T. GRCh37 (hg19) VCF-style: chr6-32046987-C-T.
Other names: c.4198G>A, p.Asp1400Asn (NM_019105.8); short protein forms D1400N.
Identifiers: ClinVar variation 1738600 (VCV001738600.4), dbSNP rs1456879875, ClinGen allele CA363428745.

ClinVar aggregate classification (germline): Uncertain significance. Review status: criteria provided, multiple submitters, no conflicts (2 of 4 stars). 2 submissions from 2 submitters: Uncertain significance (2). Last evaluated 2024-08-19.

Conditions:
Cardiovascular phenotype. Identifiers: MedGen CN230736.

Allele frequency attached by ClinVar (database versions not stated): gnomAD 0.00001; gnomAD exomes 0.00001; TOPMed 0.00005.
gnomAD v4.1: 11 of 1,613,734 alleles (0.00068%); highest among the groups gnomAD compares: African/African-American, 0.0027%; no homozygotes.

Submissions (2):

Ambry Genetics
Classification: Uncertain significance for Cardiovascular phenotype. Last evaluated: 2024-08-19. Review status: criteria provided, single submitter. Criteria: Ambry Variant Classification Scheme 2023. Collection method: clinical testing. Allele origin: germline.
Comment: The p.D1400N variant (also known as c.4198G>A), located in coding exon 10 of the TNXB gene, results from a G to A substitution at nucleotide position 4198. The aspartic acid at codon 1400 is replaced by asparagine, an amino acid with highly similar properties. This amino acid position is conserved. In addition, this alteration is predicted to be tolerated by in silico analysis. Since supporting evidence is limited at this time, the clinical significance of this alteration remains unclear.

GeneDx
Classification: Uncertain significance. Last evaluated: 2023-12-15. Review status: criteria provided, single submitter. Criteria: GeneDx Variant Classification Process June 2021. Collection method: clinical testing. Allele origin: germline. Affected: yes.
Comment: Not observed at significant frequency in large population cohorts (gnomAD); In silico analysis supports that this missense variant has a deleterious effect on protein structure/function; Has not been previously published as pathogenic or benign to our knowledge